The following is an entry in ClinVar:

ClinVar aggregate classification (germline): Uncertain significance (1 of 4 stars; one submission).

Submission:

GeneDx
Classification: Uncertain significance. Last evaluated: 2025-05-14. Review status: criteria provided, single submitter. Criteria: GeneDx Variant Classification Process June 2021. Collection method: clinical testing. Allele origin: germline. Affected: yes.
Comment: Not observed at significant frequency in large population cohorts (gnomAD); In silico analysis supports that this missense variant has a deleterious effect on protein structure/function; Has not been previously published as pathogenic or benign to our knowledge

NM_002764.4(PRPS1):c.655G>A (p.Val219Met)

Gene: PRPS1 (phosphoribosyl pyrophosphate synthetase 1; plus strand). Cytogenetic location: Xq22.3.
Variant type: single nucleotide variant.
Coding change: c.655G>A on transcript NM_002764.4 (MANE Select); coding-DNA position 655, G replaced by A.
Protein change: p.Val219Met; replaces valine 219 with methionine.
Molecular consequence: missense variant.
Genome position (GRCh38, 1-based): chrX:107,645,301, G>A. VCF-style: chrX-107645301-G-A. GRCh37 (hg19) VCF-style: chrX-106888531-G-A.
Other names: c.43G>A, p.Val15Met (NM_001204402.2); short protein forms V15M, V219M.
Identifiers: ClinVar variation 4529544 (VCV004529544.1).